The following is an entry in ClinVar:

ClinVar aggregate classification (germline): Uncertain significance. Review status: criteria provided, multiple submitters, no conflicts (2 of 4 stars). 2 submissions from 2 submitters: Uncertain significance (2). Last evaluated 2025-03-17.

Conditions:
Charcot-Marie-Tooth disease type 2. Also called: Charcot-Marie-Tooth type 2. Identifiers: Orphanet 64746, MedGen C0270914, MONDO:0018993.

Allele frequency attached by ClinVar (database versions not stated): TOPMed below 0.00001; gnomAD exomes below 0.00001.
gnomAD v4.1: 4 of 1,613,156 alleles (0.00025%); highest among the groups gnomAD compares: East Asian, 0.0022%; no homozygotes.

Submissions (2):

Ambry Genetics
Classification: Uncertain significance. Last evaluated: 2025-03-17. Review status: criteria provided, single submitter. Criteria: Ambry Variant Classification Scheme 2023. Collection method: clinical testing. Allele origin: germline.
Comment: The p.I548V variant (also known as c.1642A>G), located in coding exon 17 of the KIF1B gene, results from an A to G substitution at nucleotide position 1642. The isoleucine at codon 548 is replaced by valine, an amino acid with highly similar properties. This amino acid position is well conserved in available vertebrate species. In addition, this alteration is predicted to be tolerated by in silico analysis. The evidence for this gene-disease relationship is limited; therefore, the clinical significance of this alteration is unclear.

Labcorp Genetics (formerly Invitae), Labcorp
Classification: Uncertain significance for Charcot-Marie-Tooth disease type 2. Last evaluated: 2023-07-22. Review status: criteria provided, single submitter. Criteria: Invitae Variant Classification Sherloc (09022015). Collection method: clinical testing. Allele origin: germline.
Comment: This sequence change replaces isoleucine, which is neutral and non-polar, with valine, which is neutral and non-polar, at codon 548 of the KIF1B protein (p.Ile548Val). This variant is not present in population databases (gnomAD no frequency). This variant has not been reported in the literature in individuals affected with KIF1B-related conditions. ClinVar contains an entry for this variant (Variation ID: 1447082). An algorithm developed to predict the effect of missense changes on protein structure and function (PolyPhen-2) suggests that this variant is likely to be tolerated. In summary, the available evidence is currently insufficient to determine the role of this variant in disease. Therefore, it has been classified as a Variant of Uncertain Significance.

NM_001365951.3(KIF1B):c.1780A>G (p.Ile594Val)

Gene: KIF1B (kinesin family member 1B; plus strand). Cytogenetic location: 1p36.22.
Variant type: single nucleotide variant.
Coding change: c.1780A>G on transcript NM_001365951.3 (MANE Select); coding-DNA position 1780, A replaced by G.
Protein change: p.Ile594Val; replaces isoleucine 594 with valine.
Molecular consequence: missense variant.
Genome position (GRCh38, 1-based): chr1:10,296,584, A>G. VCF-style: chr1-10296584-A-G. GRCh37 (hg19) VCF-style: chr1-10356642-A-G.
Other names: c.1780A>G, p.Ile594Val (NM_001365952.1); c.1642A>G, p.Ile548Val (NM_001365953.1, NM_015074.3, NM_183416.4); short protein forms I548V, I594V.
Identifiers: ClinVar variation 1447082 (VCV001447082.11), dbSNP rs1650274413, ClinGen allele CA338315431.
Genomic context (GRCh38, chr1:10,296,584, plus strand): 5'-CATTATTTGATTCCAATAGTTTGTAATGATAACATTAGTTTGTGTTTGTTCCTCTTAGTT[A>G]TCGTGACCTTAGAGCCCTGTGAGCGCTCAGAAACCTACGTAAATGGCAAGAGGGTGTCCC-3'
Protein context (NP_001352880.1, residues 584-604): RSERSNSGEV[Ile594Val]VTLEPCERSE